The following is an entry in ClinVar:

NM_001040142.2(SCN2A):c.268-28A>G

Gene: SCN2A (sodium voltage-gated channel alpha subunit 2; plus strand). Cytogenetic location: 2q24.3.
Variant type: single nucleotide variant.
Coding change: c.268-28A>G on transcript NM_001040142.2 (MANE Select); 28 bases into the intron before coding-DNA position 268, A replaced by G.
Molecular consequence: intron variant.
Genome position (GRCh38, 1-based): chr2:165,296,989, A>G. VCF-style: chr2-165296989-A-G. GRCh37 (hg19) VCF-style: chr2-166153499-A-G.
Other names: c.268-28A>G (NM_001040143.2, NM_001371246.1, NM_001371247.1 and 1 more transcripts).
Identifiers: ClinVar variation 1235530 (VCV001235530.8), dbSNP rs7593568, ClinGen allele CA1939578.
Genomic context (GRCh38, chr2:165,296,989, plus strand): 5'-ATTTATAAATAATGGTTTTACTTTTCTCTTAAAATATTCTTAATATATATTCTAAGTTTT[A>G]TTTTATGTGTTGTGTTTTCTTTTTCAGACGTTTATAGTATTGAATAAAGGGAAAGCAATC-3'

ClinVar aggregate classification (germline): Benign. Review status: criteria provided, multiple submitters, no conflicts (2 of 4 stars). 6 submissions from 4 submitters: Benign (6). Last evaluated 2024-07-15.

Conditions:
Episodic ataxia, type 9. Identifiers: MedGen C5394520, MONDO:0030064, OMIM 618924.
Developmental and epileptic encephalopathy, 11 (DEE11). Also called: Early infantile epileptic encephalopathy 11. Identifiers: Orphanet 1934, MedGen C3150987, MONDO:0013388, OMIM 613721.
Seizures, benign familial infantile, 3 (BFIS3). Also called: CONVULSIONS, BENIGN FAMILIAL INFANTILE, 3; Familial neonatal seizures. Identifiers: Orphanet 140927, Orphanet 306, MedGen C1843140, MONDO:0011904, OMIM 607745.

Allele frequency attached by ClinVar (database versions not stated): 1000 Genomes Project 0.77216; 1000 Genomes Project 30x 0.77733; gnomAD exomes 0.80564; gnomAD 0.81675 and 0.82099; TOPMed 0.82097; ExAC 0.82499; ESP Exome Variant Server 0.83480.
gnomAD v4.1: 964,440 of 1,175,220 alleles (82%); highest among the groups gnomAD compares: Non-Finnish European, 85%; 397,553 homozygotes.

Submissions (6):

Unidad de Genómica Garrahan, Hospital de Pediatría Garrahan
Classification: Benign. Last evaluated: 2024-07-15. Review status: criteria provided, single submitter. Criteria: ACMG Guidelines, 2015. Collection method: clinical testing. Allele origin: germline. Affected: no. Observed: 85 variant alleles.
Comment: This variant is classified as Benign based on local population frequency. This variant was detected in 91% of patients studied in a panel designed for Epileptic and Developmental Encephalopathy and Progressive Myoclonus Epilepsy. Number of patients: 85. Only high quality variants are reported.

Genome-Nilou Lab
Classification: Benign for Developmental and epileptic encephalopathy, 11. Last evaluated: 2021-07-15. Review status: criteria provided, single submitter. Criteria: ACMG Guidelines, 2015. Collection method: clinical testing. Allele origin: germline. Affected: no.

Genome-Nilou Lab
Classification: Benign for Episodic ataxia, type 9. Last evaluated: 2021-07-15. Review status: criteria provided, single submitter. Criteria: ACMG Guidelines, 2015. Collection method: clinical testing. Allele origin: germline. Affected: no.

Genome-Nilou Lab
Classification: Benign for Seizures, benign familial infantile, 3. Last evaluated: 2021-07-15. Review status: criteria provided, single submitter. Criteria: ACMG Guidelines, 2015. Collection method: clinical testing. Allele origin: germline. Affected: no.

GeneDx
Classification: Benign. Last evaluated: 2018-06-25. Review status: criteria provided, single submitter. Criteria: GeneDx Variant Classification Process June 2021. Collection method: clinical testing. Allele origin: germline. Affected: yes.

Breakthrough Genomics
Classification: Benign. Review status: criteria provided, single submitter. Criteria: ACMG Guidelines, 2015. Collection method: not provided. Allele origin: germline. Inheritance: Autosomal dominant inheritance. Affected: yes.